The following is an entry in ClinVar:

NM_002661.5(PLCG2):c.2739+5G>T

Gene: PLCG2 (phospholipase C gamma 2; plus strand). Cytogenetic location: 16q23.3.
Variant type: single nucleotide variant.
Coding change: c.2739+5G>T on transcript NM_002661.5 (MANE Select); 5 bases into the intron after coding-DNA position 2739, G replaced by T.
Molecular consequence: intron variant.
Genome position (GRCh38, 1-based): chr16:81,931,659, G>T. VCF-style: chr16-81931659-G-T. GRCh37 (hg19) VCF-style: chr16-81965264-G-T.
Identifiers: ClinVar variation 1501121 (VCV001501121.6), dbSNP rs755300615, ClinGen allele CA8194404.

ClinVar aggregate classification (germline): Uncertain significance (1 of 4 stars; one submission).

Conditions:
Familial cold autoinflammatory syndrome 3 (FCAS3). Also called: FAMILIAL ATYPICAL COLD URTICARIA; ANTIBODY DEFICIENCY AND IMMUNE DYSREGULATION, PLCG2-ASSOCIATED. Identifiers: Orphanet 300359, MedGen C3280914, MONDO:0013766, OMIM 614468.

Allele frequency attached by ClinVar (database versions not stated): gnomAD exomes below 0.00001; ExAC 0.00001.

Submission:

Labcorp Genetics (formerly Invitae), Labcorp
Classification: Uncertain significance for Familial cold autoinflammatory syndrome 3. Last evaluated: 2022-07-06. Review status: criteria provided, single submitter. Criteria: Invitae Variant Classification Sherloc (09022015). Collection method: clinical testing. Allele origin: germline.
Comment: In summary, the available evidence is currently insufficient to determine the role of this variant in disease. Therefore, it has been classified as a Variant of Uncertain Significance. Variants that disrupt the consensus splice site are a relatively common cause of aberrant splicing (PMID: 17576681, 9536098). Algorithms developed to predict the effect of sequence changes on RNA splicing suggest that this variant may create or strengthen a splice site. ClinVar contains an entry for this variant (Variation ID: 1501121). This variant has not been reported in the literature in individuals affected with PLCG2-related conditions. The frequency data for this variant in the population databases is considered unreliable, as metrics indicate poor data quality at this position in the gnomAD database. This sequence change falls in intron 25 of the PLCG2 gene. It does not directly change the encoded amino acid sequence of the PLCG2 protein. It affects a nucleotide within the consensus splice site.

Literature cited by the submitters: PubMed 17576681; PubMed 9536098.